The following is an entry in ClinVar:

NM_017934.7(PHIP):c.2562C>G (p.Asp854Glu)

Gene: PHIP (pleckstrin homology domain interacting protein; minus strand). Cytogenetic location: 6q14.1.
Variant type: single nucleotide variant.
Coding change: c.2562C>G on transcript NM_017934.7 (MANE Select); coding-DNA position 2562, C replaced by G.
Protein change: p.Asp854Glu; replaces aspartic acid 854 with glutamic acid.
Molecular consequence: missense variant.
Genome position (GRCh38, 1-based): chr6:78,983,093, G>C on the plus strand (C>G on the coding strand, the complement: PHIP is on the minus strand). VCF-style: chr6-78983093-G-C. GRCh37 (hg19) VCF-style: chr6-79692810-G-C.
Other names: short protein forms D854E.
Identifiers: ClinVar variation 3343039 (VCV003343039.1).

ClinVar aggregate classification (germline): Uncertain significance (1 of 4 stars; one submission).

Submission:

GeneDx
Classification: Uncertain significance. Last evaluated: 2023-04-12. Review status: criteria provided, single submitter. Criteria: GeneDx Variant Classification Process June 2021. Collection method: clinical testing. Allele origin: germline. Affected: yes.
Comment: Not observed at significant frequency in large population cohorts (gnomAD); In silico analysis supports that this missense variant has a deleterious effect on protein structure/function; Has not been previously published as pathogenic or benign to our knowledge